The following is an entry in ClinVar:

NM_006514.4(SCN10A):c.4397A>G (p.Gln1466Arg)

Gene: SCN10A (sodium voltage-gated channel alpha subunit 10; minus strand). Cytogenetic location: 3p22.2.
Variant type: single nucleotide variant.
Coding change: c.4397A>G on transcript NM_006514.4 (MANE Select); coding-DNA position 4397, A replaced by G.
Protein change: p.Gln1466Arg; replaces glutamine 1466 with arginine.
Molecular consequence: missense variant.
Genome position (GRCh38, 1-based): chr3:38,702,099, T>C on the plus strand (A>G on the coding strand, the complement: SCN10A is on the minus strand). VCF-style: chr3-38702099-T-C. GRCh37 (hg19) VCF-style: chr3-38743590-T-C.
Other names: c.4394A>G, p.Gln1465Arg (NM_001293306.2); c.4103A>G, p.Gln1368Arg (NM_001293307.2); short protein forms Q1465R, Q1368R, Q1466R.
Identifiers: ClinVar variation 3705330 (VCV003705330.2).
Genomic context (GRCh38, chr3:38,702,099, plus strand): 5'-ATGAGGACCATGATGGTGATGTCAAAAGCTTGTCTGGTCACGATGTCAAAGACAAAACCC[T>C]GGAACTTGTTCTGAGAAAACAAGAGATAGTGGCATCAGGGCCTTTGGGCCAGCACAAACC-3'
Protein context (NP_006505.4, residues 1456-1476): KPIPRPLNKF[Gln1466Arg]GFVFDIVTRQ

ClinVar aggregate classification (germline): Uncertain significance (1 of 4 stars; one submission).

Conditions:
Brugada syndrome. Also called: Sudden unexpected nocturnal death syndrome; Sudden unexplained nocturnal death syndrome; Sudden Unexplained Death Syndrome; Sudden Unexplained Nocturnal Death Syndrome (SUNDS). Identifiers: Orphanet 130, MedGen C1142166, MONDO:0015263.

gnomAD v4.1: 8 of 1,550,716 alleles (0.00052%); highest among the groups gnomAD compares: Admixed American, 0.0099%; 1 homozygote.

Submission:

Labcorp Genetics (formerly Invitae), Labcorp
Classification: Uncertain significance for Brugada syndrome. Last evaluated: 2024-11-04. Review status: criteria provided, single submitter. Criteria: Invitae Variant Classification Sherloc (09022015). Collection method: clinical testing. Allele origin: germline.
Comment: This sequence change replaces glutamine, which is neutral and polar, with arginine, which is basic and polar, at codon 1466 of the SCN10A protein (p.Gln1466Arg). This variant is not present in population databases (gnomAD no frequency). This variant has not been reported in the literature in individuals affected with SCN10A-related conditions. Invitae Evidence Modeling of protein sequence and biophysical properties (such as structural, functional, and spatial information, amino acid conservation, physicochemical variation, residue mobility, and thermodynamic stability) indicates that this missense variant is not expected to disrupt SCN10A protein function with a negative predictive value of 80%. In summary, the available evidence is currently insufficient to determine the role of this variant in disease. Therefore, it has been classified as a Variant of Uncertain Significance.